The following is an entry in ClinVar:

NM_001364905.1(LRBA):c.5966T>C (p.Leu1989Ser)

Gene: LRBA (LPS responsive beige-like anchor protein; minus strand). Cytogenetic location: 4q31.3.
Variant type: single nucleotide variant.
Coding change: c.5966T>C on transcript NM_001364905.1 (MANE Select); coding-DNA position 5966, T replaced by C.
Protein change: p.Leu1989Ser; replaces leucine 1989 with serine.
Molecular consequence: missense variant.
Genome position (GRCh38, 1-based): chr4:150,599,087, A>G on the plus strand (T>C on the coding strand, the complement: LRBA is on the minus strand). VCF-style: chr4-150599087-A-G. GRCh37 (hg19) VCF-style: chr4-151520239-A-G.
Other names: c.5966T>C, p.Leu1989Ser (NM_001199282.3, NM_001367550.1, NM_006726.5); short protein forms L1989S.
Identifiers: ClinVar variation 1060310 (VCV001060310.8), dbSNP rs2126510142, ClinGen allele CA358606994.

ClinVar aggregate classification (germline): Uncertain significance (1 of 4 stars; one submission).

Conditions:
Combined immunodeficiency due to LRBA deficiency. Also called: Common variable immunodeficiency 8, with autoimmunity. Identifiers: Orphanet 445018, MedGen C3553512, MONDO:0013863, OMIM 614700.

Allele frequency attached by ClinVar (database versions not stated): gnomAD exomes below 0.00001.
gnomAD v4.1: 3 of 1,614,038 alleles (0.00019%); highest among the groups gnomAD compares: East Asian, 0.0022%; no homozygotes.

Submission:

Labcorp Genetics (formerly Invitae), Labcorp
Classification: Uncertain significance for Combined immunodeficiency due to LRBA deficiency. Last evaluated: 2024-11-09. Review status: criteria provided, single submitter. Criteria: Invitae Variant Classification Sherloc (09022015). Collection method: clinical testing. Allele origin: germline.
Comment: This sequence change replaces leucine, which is neutral and non-polar, with serine, which is neutral and polar, at codon 1989 of the LRBA protein (p.Leu1989Ser). This variant is not present in population databases (gnomAD no frequency). This variant has not been reported in the literature in individuals affected with LRBA-related conditions. ClinVar contains an entry for this variant (Variation ID: 1060310). Invitae Evidence Modeling of protein sequence and biophysical properties (such as structural, functional, and spatial information, amino acid conservation, physicochemical variation, residue mobility, and thermodynamic stability) has been performed for this missense variant. However, the output from this modeling did not meet the statistical confidence thresholds required to predict the impact of this variant on LRBA protein function. In summary, the available evidence is currently insufficient to determine the role of this variant in disease. Therefore, it has been classified as a Variant of Uncertain Significance.